The following is an entry in ClinVar:

ClinVar aggregate classification (germline): Benign/Likely benign. Review status: criteria provided, multiple submitters, no conflicts (2 of 4 stars). 9 submissions from 9 submitters: Benign (5); Likely benign (3). 1 of the submissions does not count toward it. Last evaluated 2026-07-01.

Conditions:
Inborn genetic diseases. Identifiers: MedGen C0950123, MeSH D030342.
ANKRD11-related disorder. Also called: ANKRD11-related condition.
KBG syndrome (KBGS). Also called: ANKRD11-Related KBG Syndrome. Identifiers: Orphanet 2332, MedGen C0220687, MONDO:0007846, OMIM 148050.

Allele frequency attached by ClinVar (database versions not stated): gnomAD exomes 0.00007 and 0.00022; ExAC 0.00028; 1000 Genomes Project 0.00060; gnomAD 0.00095 and 0.00099; ESP Exome Variant Server 0.00108; 1000 Genomes Project 30x 0.00109; TOPMed 0.00117.
gnomAD v4.1: 254 of 1,613,626 alleles (0.016%); highest among the groups gnomAD compares: African/African-American, 0.28%; 1 homozygote.

Submissions (9):

CeGaT Center for Human Genetics Tuebingen
Classification: Likely benign. Last evaluated: 2026-07-01. Review status: criteria provided, single submitter. Criteria: CeGaT Center For Human Genetics Tuebingen Variant Classification Criteria Version 2. Collection method: clinical testing. Allele origin: germline. Affected: yes. Observed: 2 variant alleles.
Comment: ANKRD11: BP4, BP7, BS1

Women's Health and Genetics/Laboratory Corporation of America, LabCorp
Classification: Benign. Last evaluated: 2026-05-11. Review status: criteria provided, single submitter. Criteria: LabCorp Variant Classification Summary - May 2015. Collection method: clinical testing. Allele origin: germline.

Labcorp Genetics (formerly Invitae), Labcorp
Classification: Benign for KBG syndrome. Last evaluated: 2026-01-26. Review status: criteria provided, single submitter. Criteria: Invitae Variant Classification Sherloc (09022015). Collection method: clinical testing. Allele origin: germline.

Blueprint Genetics
Classification: Likely benign. Last evaluated: 2024-10-18. Review status: criteria provided, single submitter. Criteria: ACMG Guidelines, 2015. Collection method: clinical testing. Allele origin: germline.

ARUP Laboratories, Molecular Genetics and Genomics, ARUP Laboratories
Classification: Benign for KBG syndrome. Last evaluated: 2024-09-17. Review status: criteria provided, single submitter. Criteria: ARUP Molecular Germline Variant Investigation Process 2024. Collection method: clinical testing. Allele origin: germline.

Genome-Nilou Lab
Classification: Benign for KBG syndrome. Last evaluated: 2021-12-05. Review status: criteria provided, single submitter. Criteria: ACMG Guidelines, 2015. Collection method: clinical testing. Allele origin: germline. Affected: no.

GeneDx
Classification: Benign. Last evaluated: 2020-04-08. Review status: criteria provided, single submitter. Criteria: GeneDx Variant Classification Process June 2021. Collection method: clinical testing. Allele origin: germline. Affected: yes.

Ambry Genetics
Classification: Likely benign for Inborn genetic diseases. Last evaluated: 2016-07-28. Review status: criteria provided, single submitter. Criteria: Ambry Variant Classification Scheme 2023. Collection method: clinical testing. Allele origin: germline.

PreventionGenetics, part of Exact Sciences
Classification: Likely benign for ANKRD11-related condition. Last evaluated: 2024-04-17. Review status: no assertion criteria provided. Collection method: clinical testing. Allele origin: germline. Not counted in ClinVar's aggregate classification.
Comment: This variant is classified as likely benign based on ACMG/AMP sequence variant interpretation guidelines (Richards et al. 2015 PMID: 25741868, with internal and published modifications).

NM_013275.6(ANKRD11):c.4440T>C (p.His1480=)

Gene: ANKRD11 (ankyrin repeat domain 11; minus strand). Cytogenetic location: 16q24.3.
Variant type: single nucleotide variant.
Coding change: c.4440T>C on transcript NM_013275.6 (MANE Select); coding-DNA position 4440, T replaced by C.
Protein change: p.His1480=; no amino-acid change (histidine 1480 retained).
Molecular consequence: synonymous variant.
Genome position (GRCh38, 1-based): chr16:89,282,102, A>G on the plus strand (T>C on the coding strand, the complement: ANKRD11 is on the minus strand). VCF-style: chr16-89282102-A-G. GRCh37 (hg19) VCF-style: chr16-89348510-A-G.
Other names: c.4440T>C, p.His1480= (NM_001256182.2, NM_001256183.2).
Identifiers: ClinVar variation 588112 (VCV000588112.22), dbSNP rs139429949, ClinGen allele CA8242115.